The following is an entry in ClinVar:

NM_020937.4(FANCM):c.4617T>G (p.Asp1539Glu)

Gene: FANCM (FA complementation group M; plus strand). Cytogenetic location: 14q21.2.
Variant type: single nucleotide variant.
Coding change: c.4617T>G on transcript NM_020937.4 (MANE Select); coding-DNA position 4617, T replaced by G.
Protein change: p.Asp1539Glu; replaces aspartic acid 1539 with glutamic acid.
Molecular consequence: missense variant.
Genome position (GRCh38, 1-based): chr14:45,185,318, T>G. VCF-style: chr14-45185318-T-G. GRCh37 (hg19) VCF-style: chr14-45654521-T-G.
Other names: c.4539T>G, p.Asp1513Glu (NM_001308133.2); short protein forms D1539E, D1513E.
Identifiers: ClinVar variation 5036585 (VCV005036585.1).

ClinVar aggregate classification (germline): Uncertain significance (1 of 4 stars; one submission).

Conditions:
Inborn genetic diseases. Identifiers: MedGen C0950123, MeSH D030342.

Submission:

Ambry Genetics
Classification: Uncertain significance for Inborn genetic diseases. Last evaluated: 2026-06-27. Review status: criteria provided, single submitter. Criteria: Ambry Variant Classification Scheme 2023. Collection method: clinical testing. Allele origin: germline.
Comment: The p.D1539E variant (also known as c.4617T>G), located in coding exon 18 of the FANCM gene, results from a T to G substitution at nucleotide position 4617. The aspartic acid at codon 1539 is replaced by glutamic acid, an amino acid with highly similar properties. This amino acid position is conserved. In addition, this alteration is predicted to be tolerated by in silico analysis. Based on the available evidence, the clinical significance of this variant remains unclear.